The following is an entry in ClinVar:

ClinVar aggregate classification (germline): Uncertain significance (1 of 4 stars; one submission).

Conditions:
Severe combined immunodeficiency due to DNA-PKcs deficiency. Also called: IMMUNODEFICIENCY 26 WITH NEUROLOGIC ABNORMALITIES; Immunodeficiency 26 with or without neurologic abnormalities. Identifiers: Orphanet 317425, MedGen C4014833, MONDO:0014423, OMIM 615966.

Submission:

Labcorp Genetics (formerly Invitae), Labcorp
Classification: Uncertain significance for Severe combined immunodeficiency due to DNA-PKcs deficiency. Last evaluated: 2024-10-24. Review status: criteria provided, single submitter. Criteria: Invitae Variant Classification Sherloc (09022015). Collection method: clinical testing. Allele origin: germline.
Comment: This sequence change replaces glutamic acid, which is acidic and polar, with glutamine, which is neutral and polar, at codon 247 of the PRKDC protein (p.Glu247Gln). This variant is not present in population databases (gnomAD no frequency). This variant has not been reported in the literature in individuals affected with PRKDC-related conditions. ClinVar contains an entry for this variant (Variation ID: 2010696). Invitae Evidence Modeling of protein sequence and biophysical properties (such as structural, functional, and spatial information, amino acid conservation, physicochemical variation, residue mobility, and thermodynamic stability) indicates that this missense variant is expected to disrupt PRKDC protein function with a positive predictive value of 80%. In summary, the available evidence is currently insufficient to determine the role of this variant in disease. Therefore, it has been classified as a Variant of Uncertain Significance.

NM_006904.7(PRKDC):c.739G>C (p.Glu247Gln)

Gene: PRKDC (protein kinase, DNA-activated, catalytic subunit; minus strand). Cytogenetic location: 8q11.21.
Variant type: single nucleotide variant.
Coding change: c.739G>C on transcript NM_006904.7 (MANE Select); coding-DNA position 739, G replaced by C.
Protein change: p.Glu247Gln; replaces glutamic acid 247 with glutamine.
Molecular consequence: missense variant.
Genome position (GRCh38, 1-based): chr8:47,944,012, C>G on the plus strand (G>C on the coding strand, the complement: PRKDC is on the minus strand). VCF-style: chr8-47944012-C-G. GRCh37 (hg19) VCF-style: chr8-48856572-C-G.
Other names: c.739G>C, p.Glu247Gln (NM_001081640.2); short protein forms E247Q.
Identifiers: ClinVar variation 2010696 (VCV002010696.4), dbSNP rs2551880821, ClinGen allele CA371136694.